The following is an entry in ClinVar:

NM_006939.4(SOS2):c.3489+4dup

Gene: SOS2 (SOS Ras/Rho guanine nucleotide exchange factor 2; minus strand). Cytogenetic location: 14q21.3.
Variant type: Duplication.
Coding change: c.3489+4dup on transcript NM_006939.4 (MANE Select); 4 bases into the intron after coding-DNA position 3489, one base duplicated (A; older notation c.3489+4dupA).
Molecular consequence: intron variant.
Genome position (GRCh38, 1-based): chr14:50,120,271, T duplicated on the plus strand (A on the coding strand, the reverse complement: SOS2 is on the minus strand); the first of 2 consecutive T bases (chr14:50,120,271-50,120,272); duplicating either gives the same sequence. VCF-style (leftmost placement, unchanged base first): chr14-50120270-A-AT. GRCh37 (hg19) VCF-style: chr14-50586988-A-AT.
Other names: c.3390+4dup (NM_001411020.1).
Identifiers: ClinVar variation 2822391 (VCV002822391.3), dbSNP rs2502767995, ClinGen allele CA2624768819.

ClinVar aggregate classification (germline): Uncertain significance (1 of 4 stars; one submission).

Conditions:
Noonan syndrome 9 (NS9). Identifiers: Orphanet 648, MedGen C4225282, MONDO:0014691, OMIM 616559.

Submission:

Labcorp Genetics (formerly Invitae), Labcorp
Classification: Uncertain significance for Noonan syndrome 9. Last evaluated: 2023-03-14. Review status: criteria provided, single submitter. Criteria: Invitae Variant Classification Sherloc (09022015). Collection method: clinical testing. Allele origin: germline.
Comment: In summary, the available evidence is currently insufficient to determine the role of this variant in disease. Therefore, it has been classified as a Variant of Uncertain Significance. Variants that disrupt the consensus splice site are a relatively common cause of aberrant splicing (PMID: 17576681, 9536098). Algorithms developed to predict the effect of sequence changes on RNA splicing suggest that this variant is not likely to affect RNA splicing. This variant has not been reported in the literature in individuals affected with SOS2-related conditions. This variant is not present in population databases (gnomAD no frequency). This sequence change falls in intron 22 of the SOS2 gene. It does not directly change the encoded amino acid sequence of the SOS2 protein. It affects a nucleotide within the consensus splice site.

Literature cited by the submitters: PubMed 17576681; PubMed 9536098.